The following is an entry in ClinVar:

NM_001378969.1(KCND3):c.1543A>T (p.Met515Leu)

Gene: KCND3 (potassium voltage-gated channel subfamily D member 3; minus strand). Cytogenetic location: 1p13.2.
Variant type: single nucleotide variant.
Coding change: c.1543A>T on transcript NM_001378969.1 (MANE Select); coding-DNA position 1543, A replaced by T.
Protein change: p.Met515Leu; replaces methionine 515 with leucine.
Molecular consequence: missense variant.
Genome position (GRCh38, 1-based): chr1:111,777,249, T>A on the plus strand (A>T on the coding strand, the complement: KCND3 is on the minus strand). VCF-style: chr1-111777249-T-A. GRCh37 (hg19) VCF-style: chr1-112319871-T-A.
Other names: c.1486A>T, p.Met496Leu (NM_001378970.1, NM_172198.3); c.1543A>T, p.Met515Leu (NM_004980.5); short protein forms M496L, M515L.
Identifiers: ClinVar variation 3862703 (VCV003862703.1).

ClinVar aggregate classification (germline): Uncertain significance (1 of 4 stars; one submission).

Conditions:
Cardiovascular phenotype. Identifiers: MedGen CN230736.

gnomAD v4.1: 1 of 1,614,036 alleles (0.000062%); highest among the groups gnomAD compares: African/African-American, 0.0013%; no homozygotes.

Submission:

Ambry Genetics
Classification: Uncertain significance for Cardiovascular phenotype. Last evaluated: 2025-01-31. Review status: criteria provided, single submitter. Criteria: Ambry Variant Classification Scheme 2023. Collection method: clinical testing. Allele origin: germline.
Comment: The p.M515L variant (also known as c.1543A>T), located in coding exon 6 of the KCND3 gene, results from an A to T substitution at nucleotide position 1543. The methionine at codon 515 is replaced by leucine, an amino acid with highly similar properties. This amino acid position is conserved. In addition, this alteration is predicted to be tolerated by in silico analysis. Based on the available evidence, the clinical significance of this variant remains unclear.